The following is an entry in ClinVar:

NM_004036.5(ADCY3):c.1503A>C (p.Lys501Asn)

Gene: ADCY3 (adenylate cyclase 3; minus strand). Cytogenetic location: 2p23.3.
Variant type: single nucleotide variant.
Coding change: c.1503A>C on transcript NM_004036.5 (MANE Select); coding-DNA position 1503, A replaced by C.
Protein change: p.Lys501Asn; replaces lysine 501 with asparagine.
Molecular consequence: missense variant.
Genome position (GRCh38, 1-based): chr2:24,838,475, T>G on the plus strand (A>C on the coding strand, the complement: ADCY3 is on the minus strand). VCF-style: chr2-24838475-T-G. GRCh37 (hg19) VCF-style: chr2-25061344-T-G.
Other names: c.1503A>C, p.Lys501Asn (NM_001320613.2, NM_001377129.1, NM_001377130.1 and 1 more transcripts); c.1569A>C, p.Lys523Asn (NM_001377128.1); c.780A>C, p.Lys260Asn (NM_001377131.1); short protein forms K260N, K501N, K523N.
Identifiers: ClinVar variation 3352482 (VCV003352482.1).

ClinVar aggregate classification (germline): Uncertain significance (0 of 4 stars; one submission).

Conditions:
ADCY3-related disorder. Also called: ADCY3-related condition.

gnomAD v4.1: 180 of 1,613,712 alleles (0.011%); highest among the groups gnomAD compares: East Asian, 0.4%; no homozygotes.

Submission:

PreventionGenetics, part of Exact Sciences
Classification: Uncertain significance for ADCY3-related condition. Last evaluated: 2024-06-12. Review status: no assertion criteria provided. Collection method: clinical testing. Allele origin: germline.
Comment: The ADCY3 c.1503A>C variant is predicted to result in the amino acid substitution p.Lys501Asn. To our knowledge, this variant has not been reported in the literature. This variant is reported in 0.022% of alleles in individuals of East Asian descent in gnomAD. At this time, the clinical significance of this variant is uncertain due to the absence of conclusive functional and genetic evidence.